The following is an entry in ClinVar:

ClinVar aggregate classification (germline): Pathogenic/Likely pathogenic. Review status: criteria provided, multiple submitters, no conflicts (2 of 4 stars). 6 submissions from 6 submitters: Pathogenic (2); Likely pathogenic (4). Last evaluated 2025-08-30.

Conditions:
Hereditary cancer-predisposing syndrome. Also called: Tumor predisposition; Hereditary neoplastic syndrome; Neoplastic Syndromes, Hereditary; Hereditary Cancer Syndrome. Identifiers: Orphanet 140162, MedGen C0027672, MeSH D009386, MONDO:0015356.
Familial cancer of breast. Also called: hereditary breast carcinoma; BREAST CANCER, FAMILIAL; Hereditary breast cancer. Identifiers: Orphanet 227535, MedGen C0346153, MONDO:0016419, OMIM 114480. Disease mechanism: loss of function.
CHEK2-related cancer predisposition (TPDS4). Also called: CHEK2-related cancer susceptibility; TUMOR PREDISPOSITION SYNDROME 4; CANCER PREDISPOSITION SYNDROME, CHEK2-RELATED. Identifiers: Orphanet 524, MedGen C5882668, MONDO:0700271, OMIM 609265.
Familial prostate cancer. Also called: Hereditary Prostate Cancer. Identifiers: MedGen C2931456, MONDO:0700275, OMIM 176807.
Bone osteosarcoma. Also called: Osteosarcoma, somatic. Identifiers: Orphanet 668, MedGen C0585442, MONDO:0002629, OMIM 259500.

Submissions (6):

Ambry Genetics
Classification: Likely pathogenic for Hereditary cancer-predisposing syndrome. Last evaluated: 2025-08-30. Review status: criteria provided, single submitter. Criteria: Ambry Variant Classification Scheme 2023. Collection method: clinical testing. Allele origin: germline.
Comment: The c.1461+1G>A intronic variant results from a G to A substitution one nucleotide after coding exon 12 of the CHEK2 gene. This variant is considered to be rare based on population cohorts in the Genome Aggregation Database (gnomAD). This nucleotide position is highly conserved in available vertebrate species. In silico splice site analysis predicts that this alteration will weaken the native splice donor site, however, direct evidence is insufficient at this time (Ambry internal data). Alterations that disrupt the canonical splice site are expected to cause aberrant splicing, resulting in an abnormal protein or a transcript that is subject to nonsense-mediated mRNA decay. As such, this alteration is classified as likely pathogenic.

Department of Pathology and Laboratory Medicine, Sinai Health System
Classification: Pathogenic for Familial prostate cancer; Bone osteosarcoma; CHEK2-related cancer predisposition. Last evaluated: 2024-11-11. Review status: criteria provided, single submitter. Criteria: ACMG Guidelines, 2015. Collection method: clinical testing. Allele origin: germline.

Labcorp Genetics (formerly Invitae), Labcorp
Classification: Likely pathogenic for Familial cancer of breast. Last evaluated: 2024-02-01. Review status: criteria provided, single submitter. Criteria: Invitae Variant Classification Sherloc (09022015). Collection method: clinical testing. Allele origin: germline.
Comment: This sequence change affects a donor splice site in intron 13 of the CHEK2 gene. It is expected to disrupt RNA splicing. Variants that disrupt the donor or acceptor splice site typically lead to a loss of protein function (PMID: 16199547), and loss-of-function variants in CHEK2 are known to be pathogenic (PMID: 21876083, 24713400). This variant is not present in population databases (gnomAD no frequency). This variant has not been reported in the literature in individuals affected with CHEK2-related conditions. ClinVar contains an entry for this variant (Variation ID: 265565). Algorithms developed to predict the effect of sequence changes on RNA splicing suggest that this variant may disrupt the consensus splice site. In summary, the currently available evidence indicates that the variant is pathogenic, but additional data are needed to prove that conclusively. Therefore, this variant has been classified as Likely Pathogenic.

MGZ Medical Genetics Center
Classification: Likely pathogenic for Familial cancer of breast. Last evaluated: 2022-02-14. Review status: criteria provided, single submitter. Criteria: ACMG Guidelines, 2015. Collection method: clinical testing. Allele origin: germline. Affected: yes. Observed: 1 variant allele.
Comment: ACMG criteria applied: PVS1, PM2_SUP

GeneDx
Classification: Likely pathogenic. Last evaluated: 2021-12-17. Review status: criteria provided, single submitter. Criteria: GeneDx Variant Classification Process June 2021. Collection method: clinical testing. Allele origin: germline. Affected: yes.
Comment: Canonical splice site variant predicted to result in a null allele in a gene for which loss-of-function is a known mechanism of disease; Not observed at significant frequency in large population cohorts (Lek 2016); Identified in a cohort of predominantly healthy individuals undergoing clinical genetic testing (The eMERGE Consortium 2019); This variant is associated with the following publications: (PMID: 25839328, 31447099)

Human Genome Sequencing Center Clinical Lab, Baylor College of Medicine
Classification: Pathogenic for Familial cancer of breast. Last evaluated: 2017-03-07. Review status: criteria provided, single submitter. Criteria: ACMG Guidelines, 2015. Collection method: clinical testing. Allele origin: germline.
Comment: This c.1461+1G>A variant has not been observed in our cohort database nor has been detected in the ExAC database. This variant was however reported in ClinVar but the clinical presentation of the patient was not available (SCV000322553.3). This variant affects the invariant donor splice site of intron 13 of the CHEK2 gene. Whole not validated for clinical use, computer-based algorithms predict this c.1461+1G>A change to disrupt this splicing site. A c.1461 +2T>C affecting the same invariant splice site was reported in a cohort of patients with breast and/or ovarian cancer [PMID 24549055]. This variant is classified as pathogenic.

Literature cited by the submitters: PubMed 31447099 (cited by Ambry Genetics); PubMed 16199547 (cited by Labcorp Genetics (formerly Invitae), Labcorp); PubMed 21876083 (cited by Labcorp Genetics (formerly Invitae), Labcorp); PubMed 24713400 (cited by Labcorp Genetics (formerly Invitae), Labcorp).

NM_007194.4(CHEK2):c.1461+1G>A

Gene: CHEK2 (checkpoint kinase 2; minus strand). Cytogenetic location: 22q12.1.
Variant type: single nucleotide variant.
Coding change: c.1461+1G>A on transcript NM_007194.4 (MANE Select); the canonical splice donor site of the intron after coding-DNA position 1461, G replaced by A.
Molecular consequence: splice donor variant.
Genome position (GRCh38, 1-based): chr22:28,694,031, C>T on the plus strand (G>A on the coding strand, the complement: CHEK2 is on the minus strand). VCF-style: chr22-28694031-C-T. GRCh37 (hg19) VCF-style: chr22-29090019-C-T.
Other names: c.798+1G>A (NM_001437942.1, NM_001257387.3); c.1260+1G>A (NM_001349956.3); c.1374+1G>A (NM_145862.3); c.1467+1G>A (NM_001438295.1); c.1554+1G>A (NM_001438293.1); c.1503+1G>A (NM_001438294.1); c.1590+1G>A (NM_001005735.3).
Identifiers: ClinVar variation 265565 (VCV000265565.23), dbSNP rs886039629, ClinGen allele CA10588717.
Genomic context (GRCh38, chr22:28,694,031, plus strand): 5'-GTCTCTCAGGCAGCAGGGCTTCCCATGTATTTTATGCTAGCAGGCACTGTCCCACACCCA[C>T]CTGAAGCCACGGGTGTCTTAAGGCTTCTTCTGTCGTAAAACGTGCCTTTGGATCCACTAC-3'